The following is an entry in ClinVar:

ClinVar aggregate classification (germline): Likely pathogenic. Review status: criteria provided, multiple submitters, no conflicts (2 of 4 stars). 2 submissions from 2 submitters: Likely pathogenic (2). Last evaluated 2022-10-18.

Conditions:
Kniest dysplasia. Identifiers: Orphanet 485, MedGen C0265279, MONDO:0007987, OMIM 156550.
Legg-Calve-Perthes disease. Also called: Avascular necrosis of the capital femoral epiphysis; PERTHES DISEASE; Osteochondritis deformans; Coxa plana. Identifiers: Orphanet 2380, MedGen C1442965, MONDO:0007885, OMIM 150600, HP:0005743.
Spondylometaphyseal dysplasia, Schmidt type (SMDALG). Also called: SPONDYLOMETAPHYSEAL DYSPLASIA, ALGERIAN TYPE; SPONDYLOMETAPHYSEAL DYSPLASIA WITH SEVERE GENU VALGUM. Identifiers: Orphanet 93316, MedGen C1866688, MONDO:0008478, OMIM 184253.
Spondyloepiphyseal dysplasia congenita (SEDC). Also called: SED CONGENITA; SPONDYLOEPIPHYSEAL DYSPLASIA, CONGENITAL TYPE. Identifiers: Orphanet 94068, MedGen C2745959, MONDO:0008471, OMIM 183900.
Stickler syndrome, type I, nonsyndromic ocular. Also called: STICKLER SYNDROME, ATYPICAL; STICKLER SYNDROME, TYPE I, PREDOMINANTLY OCULAR. Identifiers: MedGen C1836080, MONDO:0012287, OMIM 609508.
Stickler syndrome type 1 (STL1). Also called: COL2A1-Related Stickler Syndrome; ARTHROOPHTHALMOPATHY, HEREDITARY PROGRESSIVE; STICKLER SYNDROME, MEMBRANOUS VITREOUS TYPE; STICKLER SYNDROME, VITREOUS TYPE 1. Identifiers: Orphanet 828, Orphanet 90653, MedGen C2020284, MONDO:0007160, OMIM 108300.
Spondyloepimetaphyseal dysplasia, Strudwick type (SEMDSTWK). Also called: DAPPLED METAPHYSIS SYNDROME; STRUDWICK SYNDROME. Identifiers: Orphanet 93346, MedGen C0700635, MONDO:0008476, OMIM 184250.
Spondyloperipheral dysplasia. Also called: Spondyloperipheral dysplasia-short ulna syndrome; SPONDYLOPERIPHERAL DYSPLASIA WITH SHORT ULNA. Identifiers: Orphanet 1856, MedGen C0796173, MONDO:0010078, OMIM 271700.
Vitreoretinopathy with phalangeal epiphyseal dysplasia (VPED). Identifiers: MedGen C1852989, MONDO:0031001, OMIM 619248.
Namaqualand hip dysplasia (OSCDP). Also called: Mild spondyloepiphyseal dysplasia due to COL2A1 mutation with early-onset osteoarthritis. Identifiers: Orphanet 93279, MedGen C0432214, MONDO:0011496, OMIM 604864.
Spondyloepiphyseal dysplasia, Stanescu type. Also called: SED, STANESCU TYPE; SPONDYLOEPIMETAPHYSEAL DYSPLASIA, STANESCU TYPE. Identifiers: Orphanet 459051, MedGen C4225273, MONDO:0014701, OMIM 616583.
Multiple epiphyseal dysplasia, Beighton type. Identifiers: Orphanet 166011, MedGen C1851536, MONDO:0007562, OMIM 132450.
Spondyloepiphyseal dysplasia with metatarsal shortening. Also called: Pseudorheumatoid dysplasia progressive, with hypoplastic toes; CZECH DYSPLASIA, METATARSAL TYPE; SPONDYLOEPIPHYSEAL DYSPLASIA WITH PRECOCIOUS OSTEOARTHRITIS. Identifiers: Orphanet 137678, MedGen C1836683, MONDO:0012206, OMIM 609162.
Platyspondylic dysplasia, Torrance type (PLSDT). Identifiers: Orphanet 85166, MedGen C1835437, MONDO:0007895, OMIM 151210.
Achondrogenesis type II (ACG2). Also called: ACHONDROGENESIS, LANGER-SALDINO TYPE; CHONDROGENESIS IMPERFECTA. Identifiers: Orphanet 932, Orphanet 93296, MedGen C0220685, MONDO:0008702, OMIM 200610.
Avascular necrosis of femoral head, primary, 1 (ANFH1). Also called: Avascular necrosis of femoral head, primary. Identifiers: Orphanet 86820, MedGen C4551562, MONDO:0054550, OMIM 608805.

Allele frequency attached by ClinVar (database versions not stated): gnomAD exomes below 0.00001.
gnomAD v4.1: 1 of 1,612,454 alleles (0.000062%); highest among the groups gnomAD compares: Non-Finnish European, 0.000085%; no homozygotes.

Submissions (2):

Labcorp Genetics (formerly Invitae), Labcorp
Classification: Likely pathogenic. Last evaluated: 2022-10-18. Review status: criteria provided, single submitter. Criteria: Invitae Variant Classification Sherloc (09022015). Collection method: clinical testing. Allele origin: germline.
Comment: This sequence change replaces glycine, which is neutral and non-polar, with cysteine, which is neutral and slightly polar, at codon 849 of the COL2A1 protein (p.Gly849Cys). This variant is not present in population databases (gnomAD no frequency). In summary, the currently available evidence indicates that the variant is pathogenic, but additional data are needed to prove that conclusively. Therefore, this variant has been classified as Likely Pathogenic. This variant disrupts the triple helix domain of COL2A1. Glycine residues within the Gly-Xaa-Yaa repeats of the triple helix domain are required for the structure and stability of fibrillar collagens (PMID: 7695699, 8218237, 19344236). In COL2A1, variants affecting these glycine residues are significantly enriched in individuals with disease (PMID: 9016532, 17078022) compared to the general population (ExAC). Advanced modeling of protein sequence and biophysical properties (such as structural, functional, and spatial information, amino acid conservation, physicochemical variation, residue mobility, and thermodynamic stability) performed at Invitae indicates that this missense variant is expected to disrupt COL2A1 protein function. This variant has not been reported in the literature in individuals affected with COL2A1-related conditions.

Juno Genomics, Hangzhou Juno Genomics, Inc
Classification: Likely pathogenic for Vitreoretinopathy with phalangeal epiphyseal dysplasia; Achondrogenesis type II; Avascular necrosis of femoral head, primary, 1; Spondyloepiphyseal dysplasia with metatarsal shortening; Multiple epiphyseal dysplasia, Beighton type; Kniest dysplasia; Legg-Calve-Perthes disease; Namaqualand hip dysplasia; Platyspondylic dysplasia, Torrance type; Spondyloepiphyseal dysplasia congenita; Spondyloepimetaphyseal dysplasia, Strudwick type; Spondyloepiphyseal dysplasia, Stanescu type; Spondylometaphyseal dysplasia, Schmidt type; Spondyloperipheral dysplasia; Stickler syndrome type 1; Stickler syndrome, type I, nonsyndromic ocular. Review status: criteria provided, single submitter. Criteria: ACMG Guidelines, 2015. Collection method: clinical testing. Allele origin: germline. Affected: yes.
Comment: Absent from controls (or at extremely low frequency if recessive) in Genome Aggregation Database.;De novo (both maternity and paternity confirmed) in a patient with the disease and no family history.;Multiple lines of computational evidence support a deleterious effect on the gene or gene product.;Missense variant in a gene that has a low rate of benign missense variation.;Located in a mutational hot spot and/or critical and well-established functional domain without benign variation.

Literature cited by the submitters: PubMed 7695699 (cited by Labcorp Genetics (formerly Invitae), Labcorp); PubMed 8218237 (cited by Labcorp Genetics (formerly Invitae), Labcorp); PubMed 19344236 (cited by Labcorp Genetics (formerly Invitae), Labcorp); PubMed 9016532 (cited by Labcorp Genetics (formerly Invitae), Labcorp); PubMed 17078022 (cited by Labcorp Genetics (formerly Invitae), Labcorp).

NM_001844.5(COL2A1):c.2545G>T (p.Gly849Cys)

Gene: COL2A1 (collagen type II alpha 1 chain; minus strand). Cytogenetic location: 12q13.11.
Variant type: single nucleotide variant.
Coding change: c.2545G>T on transcript NM_001844.5 (MANE Select); coding-DNA position 2545, G replaced by T.
Protein change: p.Gly849Cys; replaces glycine 849 with cysteine.
Molecular consequence: missense variant.
Genome position (GRCh38, 1-based): chr12:47,980,634, C>A on the plus strand (G>T on the coding strand, the complement: COL2A1 is on the minus strand). VCF-style: chr12-47980634-C-A. GRCh37 (hg19) VCF-style: chr12-48374417-C-A.
Other names: c.2338G>T, p.Gly780Cys (NM_033150.3); short protein forms G780C, G849C.
Identifiers: ClinVar variation 2104642 (VCV002104642.5), dbSNP rs1302361762, ClinGen allele CA384544502.